The following is an entry in ClinVar:

ClinVar aggregate classification (germline): Conflicting classifications of pathogenicity. Review status: criteria provided, conflicting classifications (1 of 4 stars). 5 submissions from 5 submitters: Uncertain significance (3); Likely benign (1). 1 of the submissions does not count toward it. Last evaluated 2025-07-25.

Conditions:
Duchenne muscular dystrophy (DMD). Also called: Duchenne Muscular Dystrophy (DMD); MUSCULAR DYSTROPHY, PSEUDOHYPERTROPHIC PROGRESSIVE, DUCHENNE TYPE. Identifiers: Orphanet 98896, MedGen C0013264, MONDO:0010679, OMIM 310200.
Dystrophin deficiency.
Cardiovascular phenotype. Identifiers: MedGen CN230736.

Allele frequency attached by ClinVar (database versions not stated): gnomAD 0.00002; TOPMed 0.00002.
gnomAD v4.1: 72 of 1,206,690 alleles (0.006%); highest among the groups gnomAD compares: Non-Finnish European, 0.0077%; no homozygotes.

Submissions (5):

Labcorp Genetics (formerly Invitae), Labcorp
Classification: Likely benign for Duchenne muscular dystrophy. Last evaluated: 2025-07-25. Review status: criteria provided, single submitter. Criteria: Invitae Variant Classification Sherloc (09022015). Collection method: clinical testing. Allele origin: germline.

Ambry Genetics
Classification: Uncertain significance for Cardiovascular phenotype. Last evaluated: 2025-07-09. Review status: criteria provided, single submitter. Criteria: Ambry Variant Classification Scheme 2023. Collection method: clinical testing. Allele origin: germline.
Comment: The p.P1538L variant (also known as c.4613C>T), located in coding exon 33 of the DMD gene, results from a C to T substitution at nucleotide position 4613. The proline at codon 1538 is replaced by leucine, an amino acid with similar properties. Based on data from gnomAD, the T allele has an overall frequency of 0.001% (2/182904) total alleles studied, with 2 hemizygote(s) observed. The highest observed frequency was 0.002% (2/81555) of European (non-Finnish) alleles. This amino acid position is highly conserved in available vertebrate species. In addition, the in silico prediction for this alteration is inconclusive. Since supporting evidence is limited at this time, the clinical significance of this alteration remains unclear.

Molecular Diagnostic Laboratory for Inherited Cardiovascular Disease, Montreal Heart Institute
Classification: Uncertain significance for Cardiovascular phenotype. Last evaluated: 2025-04-09. Review status: criteria provided, single submitter. Criteria: ACMG Guidelines, 2015. Collection method: clinical testing. Allele origin: germline. Affected: yes.
Comment: BP1

Revvity Omics, Revvity
Classification: Uncertain significance. Last evaluated: 2022-10-14. Review status: criteria provided, single submitter. Criteria: ACMG Guidelines, 2015. Collection method: clinical testing. Allele origin: germline.

Natera, Inc.
Classification: Uncertain significance for Dystrophin deficiency. Last evaluated: 2020-09-16. Review status: no assertion criteria provided. Collection method: clinical testing. Allele origin: germline. Not counted in ClinVar's aggregate classification.

NM_004006.3(DMD):c.4613C>T (p.Pro1538Leu)

Gene: DMD (dystrophin; minus strand). Cytogenetic location: Xp21.1.
Variant type: single nucleotide variant.
Coding change: c.4613C>T on transcript NM_004006.3 (MANE Select); coding-DNA position 4613, C replaced by T.
Protein change: p.Pro1538Leu; replaces proline 1538 with leucine.
Molecular consequence: missense variant.
Genome position (GRCh38, 1-based): chrX:32,386,371, G>A on the plus strand (C>T on the coding strand, the complement: DMD is on the minus strand). VCF-style: chrX-32386371-G-A. GRCh37 (hg19) VCF-style: chrX-32404488-G-A.
Other names: c.4589C>T, p.Pro1530Leu (NM_000109.4); c.4601C>T, p.Pro1534Leu (NM_004009.3); c.4244C>T, p.Pro1415Leu (NM_004010.3); c.590C>T, p.Pro197Leu (NM_004011.4); c.581C>T, p.Pro194Leu (NM_004012.4); short protein forms P1538L, P1415L, P1534L, P194L, P197L, P1530L.
Identifiers: ClinVar variation 846120 (VCV000846120.13), dbSNP rs1040362862, ClinGen allele CA327983820.